The following is an entry in ClinVar:

ClinVar aggregate classification (germline): Benign/Likely benign. Review status: criteria provided, multiple submitters, no conflicts (2 of 4 stars). 12 submissions from 12 submitters: Benign (5); Likely benign (5). 2 of the submissions do not count toward it. Last evaluated 2026-07-01.

Conditions:
TSC2-related disorder. Also called: TSC2-related condition; TSC2-Related Disorders.
Hereditary cancer-predisposing syndrome. Also called: Neoplastic Syndromes, Hereditary; Tumor predisposition; Hereditary Cancer Syndrome; Hereditary neoplastic syndrome. Identifiers: Orphanet 140162, MedGen C0027672, MeSH D009386, MONDO:0015356.
Tuberous sclerosis syndrome (TSC). Also called: Tuberous Sclerosis Complex; Tuberous sclerosis. Identifiers: Orphanet 805, MedGen C0041341, MONDO:0001734.
Tuberous sclerosis 2 (TSC2). Identifiers: Orphanet 805, MedGen C1860707, MONDO:0013199, OMIM 613254.

Allele frequency attached by ClinVar (database versions not stated): gnomAD 0.00004; gnomAD exomes 0.00004 and 0.00008; ExAC 0.00007; TOPMed 0.00007; ESP Exome Variant Server 0.00008.
gnomAD v4.1: 124 of 1,612,778 alleles (0.0077%); highest among the groups gnomAD compares: Non-Finnish European, 0.0093%; no homozygotes.

Submissions (12):

CeGaT Center for Human Genetics Tuebingen
Classification: Likely benign. Last evaluated: 2026-07-01. Review status: criteria provided, single submitter. Criteria: CeGaT Center For Human Genetics Tuebingen Variant Classification Criteria Version 2. Collection method: clinical testing. Allele origin: germline. Affected: yes. Observed: 4 variant alleles.
Comment: TSC2: BP4, BP7

Labcorp Genetics (formerly Invitae), Labcorp
Classification: Benign for Tuberous sclerosis 2. Last evaluated: 2026-01-11. Review status: criteria provided, single submitter. Criteria: Invitae Variant Classification Sherloc (09022015). Collection method: clinical testing. Allele origin: germline.

Myriad Genetics, Inc.
Classification: Benign for Tuberous sclerosis 2. Last evaluated: 2025-05-28. Review status: criteria provided, single submitter. Criteria: Myriad Autosomal Dominant, Autosomal Recessive and X-Linked Classification Criteria (2023). Collection method: clinical testing. Allele origin: unknown.
Comment: This variant is considered benign. This variant is a silent/synonymous amino acid change and it is not expected to impact splicing.

Blueprint Genetics
Classification: Likely benign. Last evaluated: 2024-09-20. Review status: criteria provided, single submitter. Criteria: ACMG Guidelines, 2015. Collection method: clinical testing. Allele origin: germline.

All of Us Research Program, National Institutes of Health
Classification: Benign for Tuberous sclerosis syndrome. Last evaluated: 2024-01-03. Review status: criteria provided, single submitter. Criteria: ACMG Guidelines, 2015. Collection method: clinical testing. Allele origin: germline. Inheritance: Autosomal dominant inheritance. Observed: 14 variant alleles, 14 heterozygotes.
Comment: This study involves interpretation of variants in research participants for the purpose of population health screening. Participant phenotype was not available at the time of variant classification. Additional details can be found in publication PMID: 35346344, PMCID: PMC8962531

KCCC/NGS Laboratory, Kuwait Cancer Control Center
Classification: Likely benign for Tuberous sclerosis 2. Last evaluated: 2023-07-07. Review status: criteria provided, single submitter. Criteria: ACMG Guidelines, 2015. Collection method: clinical testing. Allele origin: germline. Affected: yes.

Color Diagnostics, LLC DBA Color Health
Classification: Benign for Tuberous sclerosis syndrome. Last evaluated: 2022-09-29. Review status: criteria provided, single submitter. Criteria: ACMG Guidelines, 2015. Collection method: clinical testing. Allele origin: germline.

Genome-Nilou Lab
Classification: Benign for Tuberous sclerosis 2. Last evaluated: 2021-11-07. Review status: criteria provided, single submitter. Criteria: ACMG Guidelines, 2015. Collection method: clinical testing. Allele origin: germline. Affected: no.

GeneDx
Classification: Likely benign. Last evaluated: 2021-04-19. Review status: criteria provided, single submitter. Criteria: GeneDx Variant Classification Process June 2021. Collection method: clinical testing. Allele origin: germline. Affected: yes.
Comment: This variant is associated with the following publications: (PMID: 18854862, 26071483)

Ambry Genetics
Classification: Likely benign for Hereditary cancer-predisposing syndrome. Last evaluated: 2015-12-31. Review status: criteria provided, single submitter. Criteria: Ambry Variant Classification Scheme 2023. Collection method: clinical testing. Allele origin: germline.

PreventionGenetics, part of Exact Sciences
Classification: Likely benign for TSC2-related condition. Last evaluated: 2023-01-24. Review status: no assertion criteria provided. Collection method: clinical testing. Allele origin: germline. Not counted in ClinVar's aggregate classification.
Comment: This variant is classified as likely benign based on ACMG/AMP sequence variant interpretation guidelines (Richards et al. 2015 PMID: 25741868, with internal and published modifications).

Tuberous sclerosis database (TSC2)
No classification provided. Condition: TSC. Review status: no classification provided. Criteria: Tuberous Sclerosis Database Assertion Criteria 2015. Collection method: curation. Allele origin: germline. Affected: yes. Not counted in ClinVar's aggregate classification.

NM_000548.5(TSC2):c.3225C>T (p.Thr1075=)

Gene: TSC2 (TSC complex subunit 2; plus strand). Cytogenetic location: 16p13.3.
Variant type: single nucleotide variant.
Coding change: c.3225C>T on transcript NM_000548.5 (MANE Select); coding-DNA position 3225, C replaced by T.
Protein change: p.Thr1075=; no amino-acid change (threonine 1075 retained).
Molecular consequence: synonymous variant.
Genome position (GRCh38, 1-based): chr16:2,079,369, C>T. VCF-style: chr16-2079369-C-T. GRCh37 (hg19) VCF-style: chr16-2129370-C-T.
Other names: c.3225C>T (NM_000548.4); c.3093C>T, p.Thr1031= (NM_001077183.3, NM_001370404.1); c.3225C>T, p.Thr1075= (NM_001114382.3); c.2985C>T, p.Thr995= (NM_001318827.2); c.2949C>T, p.Thr983= (NM_001318829.2); c.2493C>T, p.Thr831= (NM_001318831.2); c.3126C>T, p.Thr1042= (NM_001318832.2); c.3096C>T, p.Thr1032= (NM_001363528.2, NM_001370405.1, NM_021055.3).
Identifiers: ClinVar variation 65148 (VCV000065148.40), dbSNP rs374145104, ClinGen allele CA018718.
Genomic context (GRCh38, chr16:2,079,369, plus strand): 5'-CAGGACCAAAACCTGGCTGGTTGGGAACAAGCTTGTCACTGTGACGACAAGCGTGGGAAC[C>T]GGGACCCGGTCGTTACTAGGCCTGGACTCGGGGGAGCTGCAGTCCGGCCCGGAGTCGAGG-3'
Protein context (NP_000539.2, residues 1065-1085): KLVTVTTSVG[Thr1075=]GTRSLLGLDS